The following is an entry in ClinVar:

NC_000010.10:g.(?_104263900)_(104389922_?)del

Gene: SUFU (SUFU negative regulator of hedgehog signaling; plus strand). Cytogenetic location: 10q24.32.
Variant type: Deletion.
Identifiers: ClinVar variation 1460284 (VCV001460284.8).

ClinVar aggregate classification (germline): Pathogenic (1 of 4 stars; one submission).

Conditions:
Gorlin syndrome. Also called: Nevoid Basal Cell Carcinoma Syndrome; Basal cell nevus syndrome. Identifiers: Orphanet 377, MedGen C0004779, MONDO:0007187.
Medulloblastoma (MDB). Also called: Medulloblastoma, somatic; MEDULLOBLASTOMA PREDISPOSITION SYNDROME. Identifiers: Orphanet 616, MedGen C0025149, MeSH D008527, MONDO:0007959, OMIM 155255, HP:0002885.

Submission:

Labcorp Genetics (formerly Invitae), Labcorp
Classification: Pathogenic for Gorlin syndrome; Medulloblastoma. Last evaluated: 2021-09-16. Review status: criteria provided, single submitter. Criteria: Invitae Variant Classification Sherloc (09022015). Collection method: clinical testing. Allele origin: germline.
Comment: A gross deletion of the genomic region encompassing the full coding sequence of the SUFU gene has been identified. Loss-of-function variants in SUFU are known to be pathogenic (PMID: 22508808, 25403219). The boundaries of this event are unknown as they extend beyond the assayed region for this gene and therefore may encompass additional genes. A similar copy number variant has been observed in individual(s) with nevoid basal-cell carcinoma syndrome-like phenotypes and severe cognitive impairment (PMID: 12068298). For these reasons, this variant has been classified as Pathogenic.

Literature cited by the submitters: PubMed 22508808; PubMed 25403219; PubMed 12068298.